The following is an entry in ClinVar:

NM_002500.5(NEUROD1):c.716T>C (p.Val239Ala)

Gene: NEUROD1 (neuronal differentiation 1; minus strand). Cytogenetic location: 2q31.3.
Variant type: single nucleotide variant.
Coding change: c.716T>C on transcript NM_002500.5 (MANE Select); coding-DNA position 716, T replaced by C.
Protein change: p.Val239Ala; replaces valine 239 with alanine.
Molecular consequence: missense variant.
Genome position (GRCh38, 1-based): chr2:181,678,145, A>G on the plus strand (T>C on the coding strand, the complement: NEUROD1 is on the minus strand). VCF-style: chr2-181678145-A-G. GRCh37 (hg19) VCF-style: chr2-182542872-A-G.
Other names: short protein forms V239A.
Identifiers: ClinVar variation 1392307 (VCV001392307.8), dbSNP rs918330640, ClinGen allele CA62111420.

ClinVar aggregate classification (germline): Uncertain significance (1 of 4 stars; one submission).

Allele frequency attached by ClinVar (database versions not stated): TOPMed 0.00001.

Submission:

Labcorp Genetics (formerly Invitae), Labcorp
Classification: Uncertain significance. Last evaluated: 2021-07-14. Review status: criteria provided, single submitter. Criteria: Invitae Variant Classification Sherloc (09022015). Collection method: clinical testing. Allele origin: germline.
Comment: This variant has not been reported in the literature in individuals affected with NEUROD1-related conditions. Algorithms developed to predict the effect of missense changes on protein structure and function are either unavailable or do not agree on the potential impact of this missense change (SIFT: "Deleterious"; PolyPhen-2: "Benign"; Align-GVGD: "Class C25"). In summary, the available evidence is currently insufficient to determine the role of this variant in disease. Therefore, it has been classified as a Variant of Uncertain Significance. This variant is not present in population databases (ExAC no frequency). This sequence change replaces valine with alanine at codon 239 of the NEUROD1 protein (p.Val239Ala). The valine residue is highly conserved and there is a small physicochemical difference between valine and alanine.